The following is an entry in ClinVar:

NM_007294.4(BRCA1):c.3327_3329del (p.Lys1110del)

Genes: BRCA1 (BRCA1 DNA repair associated; minus strand), LOC126862571 (BRD4-independent group 4 enhancer GRCh37_chr17:41243136-41244335; plus strand). Cytogenetic location: 17q21.31.
Variant type: Deletion.
Coding change: c.3327_3329del on transcript NM_007294.4 (MANE Select); coding-DNA positions 3327 to 3329, 3 bases deleted (AAA; older notation c.3327_3329delAAA).
Protein change: p.Lys1110del; deletes lysine 1110.
Molecular consequence: inframe deletion. On other transcripts: inframe indel (2), intron variant (137).
Genome position (GRCh38, 1-based): chr17:43,092,202-43,092,204, TTT deleted on the plus strand (AAA on the coding strand, the reverse complement: BRCA1 is on the minus strand); deleting any 3 consecutive bases within chr17:43,092,202-43,092,207 gives the same sequence; the c. name uses the placement nearest the transcript's 3' end. VCF-style (leftmost placement, unchanged base first): chr17-43092201-CTTT-C. GRCh37 (hg19) VCF-style: chr17-41244218-CTTT-C.
Other names: K1109del; p.Lys1110del; c.3327_3329delAAA (NM_007294.3, NM_007294.4); c.3114_3116del, p.Lys1039del (NM_001407571.1, NM_001407853.1, NM_001407894.1 and 9 more transcripts); c.3327_3329del, p.Lys1110del (NM_001407581.1, NM_001407582.1, NM_001407583.1 and 30 more transcripts); c.3324_3326del, p.Lys1109del (NM_001407587.1, NM_001407590.1, NM_001407591.1 and 22 more transcripts); c.3318_3320del, p.Lys1107del (NM_001407646.1, NM_001407647.1); c.3204_3206del, p.Lys1069del (NM_001407648.1, NM_001407664.1, NM_001407665.1 and 19 more transcripts); and 45 more; short protein forms K1110del, K1063del, K1021del, K1040del, K1062del, K1107del, K982del, K999del.
Identifiers: ClinVar variation 125625 (VCV000125625.42), dbSNP rs80357575, ClinGen allele CA002145.

ClinVar aggregate classification (germline): Conflicting classifications of pathogenicity. Review status: criteria provided, conflicting classifications (1 of 4 stars). 15 submissions from 15 submitters: Uncertain significance (7); Benign (1); Likely benign (4). 3 of the submissions do not count toward it. Last evaluated 2025-12-26.

Conditions:
Malignant tumor of pancreas. Also called: Cancer of the pancreas; Pancreatic cancer; Malignant pancreatic neoplasm. Identifiers: MedGen C0346647, MONDO:0009831.
Breast neoplasm. Also called: Neoplasm of breast; Breast tumor; Neoplasm of the breast; Breast Neoplasms. Identifiers: MedGen C1458155, MeSH D001943, MONDO:0021100, HP:0100013. Disease mechanism: gain of function.
Hereditary cancer-predisposing syndrome. Also called: Tumor predisposition; Hereditary neoplastic syndrome; Hereditary Cancer Syndrome; Neoplastic Syndromes, Hereditary. Identifiers: Orphanet 140162, MedGen C0027672, MeSH D009386, MONDO:0015356.
Hereditary breast ovarian cancer syndrome. Also called: Hereditary breast and/or ovarian cancer syndrome; Breast and ovarian cancer; Hereditary breast and ovarian cancer syndrome; Hereditary breast and ovarian cancer; Hereditary breast and ovarian cancer syndrome (HBOC); BRCA1- and BRCA2-Associated Hereditary Breast and Ovarian Cancer. Identifiers: Orphanet 145, MedGen C0677776, MeSH D061325, MONDO:0003582. Disease mechanism: loss of function.
Breast-ovarian cancer, familial, susceptibility to, 1 (BROVCA1). Also called: BRCA1 Hereditary Breast and Ovarian Cancer; OVARIAN CANCER, SUSCEPTIBILITY TO. Identifiers: Orphanet 145, MedGen C2676676, MONDO:0011450, OMIM 604370. Disease mechanism: loss of function.

Submissions 1 to 10 of 15:

Labcorp Genetics (formerly Invitae), Labcorp
Classification: Likely benign for Hereditary breast ovarian cancer syndrome. Last evaluated: 2025-12-26. Review status: criteria provided, single submitter. Criteria: Invitae Variant Classification Sherloc (09022015). Collection method: clinical testing. Allele origin: germline.

Mendelics
Classification: Likely benign for Hereditary cancer-predisposing syndrome. Last evaluated: 2024-04-08. Review status: criteria provided, single submitter. Criteria: ACMG Guidelines, 2015. Collection method: clinical testing. Allele origin: unknown.

Molecular Pathology, Peter Maccallum Cancer Centre
Classification: Benign for Breast-ovarian cancer, familial, susceptibility to, 1. Last evaluated: 2024-02-29. Review status: criteria provided, single submitter. Criteria: ACMG Guidelines, 2015. Collection method: clinical testing. Allele origin: germline. Inheritance: Autosomal dominant inheritance.

Women's Health and Genetics/Laboratory Corporation of America, LabCorp
Classification: Uncertain significance. Last evaluated: 2024-02-26. Review status: criteria provided, single submitter. Criteria: LabCorp Variant Classification Summary - May 2015. Collection method: clinical testing. Allele origin: germline.
Comment: Variant summary: BRCA1 c.3327_3329delAAA (p.Lys1110del) results in an in-frame deletion that is predicted to remove one amino acids from the encoded protein. The variant allele was found at a frequency of 1.2e-05 in 250422 control chromosomes. The available data on variant occurrences in the general population are insufficient to allow any conclusion about variant significance. c.3327_3329delAAA has been reported in the literature in individuals with a personal and/or family history of breast and/or ovarian cancer without strong evidence for causality (e.g. Judkins_2005, Zanella_2017, Herzog_2021, Caputo_2021). These reports do not provide unequivocal conclusions about association of the variant with Hereditary Breast And Ovarian Cancer Syndrome. A co-occurrence with a pathogenic variant (BRCA2 c.8755-1G>A) has been reported in an individual in the BIC database, providing supporting evidence for a benign role. Additionally, a publication which used a multifactorial model incorporating cosegregation data into BRCA1/2 variant classification predicted the variant to be benign (Caputo_2021). Finally, an experimental study examining a similar variant,c.3328_3330delAAG which also results in p.Lys1110del, showed that the variant was sufficient to support growth in a functional complementation assay in mouse Brca1-null embryonic stem cells and had a similar sensitivity to cisplatin as the wild-type protein, however the authors indicated that the results of these assays may not fully capture the pathogenicity of all variants in BRCA1 (Bouwman_2013) The following publications have been ascertained in the context of this evaluation (PMID: 16267036, 23867111, 19370767, 22486713, 18273839, 28263838, 34413315, 34597585). ClinVar contains an entry for this variant (Variation ID: 125625). Based on the evidence outlined above, the variant was classified as VUS-possibly benign.

Quest Diagnostics Nichols Institute San Juan Capistrano
Classification: Uncertain significance. Last evaluated: 2023-12-13. Review status: criteria provided, single submitter. Criteria: Quest Diagnostics criteria. Collection method: clinical testing. Allele origin: unknown.
Comment: The BRCA1 c.3327_3329del (p.Lys1110del) variant has been reported in the published literature in individuals and families affected with breast or ovarian cancer (PMID: 29785135 (2018), 28263838 (2017), 26911350 (2016), 22486713 (2012), 34413315 (2021), 16267036 (2005)). It has also been reported in unaffected individuals (PMID: 32817299 (2020), 32467295 (2020)). Additionally, a functional study suggests that the variant is not damaging to BRCA1 protein expression or function (PMID: 23867111 (2013)). The frequency of this variant in the general population, 0.000012 (3/250252 chromosomes (Genome Aggregation Database)), is uninformative in the assessment of its pathogenicity. Based on the available information, we are unable to determine the clinical significance of this variant.

GeneDx
Classification: Uncertain significance. Last evaluated: 2023-08-10. Review status: criteria provided, single submitter. Criteria: GeneDx Variant Classification Process June 2021. Collection method: clinical testing. Allele origin: germline. Affected: yes.
Comment: In-frame deletion of 1 amino acid in a non-repeat region; Observed in individuals with a personal or family history suspicious for hereditary breast and ovarian cancer (Zanella et al., 2017; Caputo et al., 2021; Herzog et al., 2021; Bang et al., 2022); Functional assessment of a similar variant, c.3328_3330delAAG, also leading to the deletion of a Lysine at residue1110 demonstrated similar activity as the wild-type in a cell proliferation and cisplatin sensitivity assay (Bouwman et al., 2013); Not observed at significant frequency in large population cohorts (gnomAD); In silico analysis supports a deleterious effect on protein structure/function; Also known as 3446_3448del; This variant is associated with the following publications: (PMID: 25036526, 16267036, 18273839, 28263838, 22486713, 31131967, 26911350, 10923033, 30555256, 29785135, 32817299, 32467295, 34597585, 34981296, 19370767, 23867111, 34413315, 36601340)

Ambry Genetics
Classification: Likely benign for Hereditary cancer-predisposing syndrome. Last evaluated: 2023-07-27. Review status: criteria provided, single submitter. Criteria: Ambry Variant Classification Scheme 2023. Collection method: clinical testing. Allele origin: germline.

Sema4
Classification: Uncertain significance for Hereditary cancer-predisposing syndrome. Last evaluated: 2022-02-09. Review status: criteria provided, single submitter. Criteria: Sema4 Curation Guidelines. Collection method: curation. Allele origin: germline.
Comment: The BRCA1 c.3327_3329delAAA (p.K1110del) variant has been reported in heterozygosity in at least two individuals undergoing hereditary breast and ovarian cancer genetic testing (PMID: 16267036, 28263838). It has also been seen in individuals from the general population (PMID: 32467295, Flossies Database). A functional study of this variant showed that it behaved as wild-type in a cell proliferation and cisplatin sensitivity assay (PMID: 23867111). It was observed in 3/250252 chromosomes across all populations in the large and broad cohorts of the Genome Aggregation Database (PMID: 32461654). The variant has been reported in ClinVar (Variation ID 125625). The evidence is insufficient to meet ACMG/AMP criteria for classifying the variant as benign or pathogenic. Thus, the clinical significance of this variant is currently uncertain.

Mayo Clinic Laboratories, Mayo Clinic
Classification: Uncertain significance. Last evaluated: 2022-01-04. Review status: criteria provided, single submitter. Criteria: ACMG Guidelines, 2015. Collection method: clinical testing. Allele origin: germline.

ACT Genomics,
Classification: Uncertain significance for Neoplasm of the breast. Last evaluated: 2020-04-27. Review status: criteria provided, single submitter. Criteria: ACMG Guidelines, 2015. Collection method: clinical testing. Allele origin: germline. Affected: yes. Observed: 1 heterozygote.
Comment: This variant c.3327_3329delAAA (p.Lys1110del) results in a in-frame deletion of a lysine at position 1110 of the BRCA1 gene. The allele frequency of this variant is 0.000054 in East Asian of gnomAD Exomes. For the insufficient evidences, this variant has been classified as variant of uncertain significance.